The following is an entry in ClinVar:

NM_004370.6(COL12A1):c.7841-3C>T

Gene: COL12A1 (collagen type XII alpha 1 chain; minus strand). Cytogenetic location: 6q13.
Variant type: single nucleotide variant.
Coding change: c.7841-3C>T on transcript NM_004370.6 (MANE Select); 3 bases into the intron before coding-DNA position 7841, C replaced by T.
Molecular consequence: intron variant.
Genome position (GRCh38, 1-based): chr6:75,113,316, G>A on the plus strand (C>T on the coding strand, the complement: COL12A1 is on the minus strand). VCF-style: chr6-75113316-G-A. GRCh37 (hg19) VCF-style: chr6-75823032-G-A.
Other names: c.4349-3C>T (NM_001424116.1, NM_080645.3); c.7568-3C>T (NM_001424115.1); c.7820-3C>T (NM_001424114.1); c.7841-3C>T (NM_001424113.1).
Identifiers: ClinVar variation 2932414 (VCV002932414.3), dbSNP rs926678990, ClinGen allele CA141010636.

ClinVar aggregate classification (germline): Uncertain significance (1 of 4 stars; one submission).

Conditions:
Ullrich congenital muscular dystrophy 2 (UCMD2). Identifiers: Orphanet 75840, MedGen C4225314, MONDO:0014654, OMIM 616470.
Bethlem myopathy 2 (BTHLM2). Identifiers: Orphanet 536516, Orphanet 610, MedGen C4225313, MONDO:0034022, OMIM 616471.

Allele frequency attached by ClinVar (database versions not stated): gnomAD exomes below 0.00001; TOPMed below 0.00001.
gnomAD v4.1: 3 of 1,523,822 alleles (0.0002%); highest among the groups gnomAD compares: East Asian, 0.0024%; no homozygotes.

Submission:

Labcorp Genetics (formerly Invitae), Labcorp
Classification: Uncertain significance for Bethlem myopathy 2; Ullrich congenital muscular dystrophy 2. Last evaluated: 2023-12-25. Review status: criteria provided, single submitter. Criteria: Invitae Variant Classification Sherloc (09022015). Collection method: clinical testing. Allele origin: germline.
Comment: This sequence change falls in intron 50 of the COL12A1 gene. It does not directly change the encoded amino acid sequence of the COL12A1 protein. It affects a nucleotide within the consensus splice site. The frequency data for this variant in the population databases is considered unreliable, as metrics indicate poor data quality at this position in the gnomAD database. This variant has not been reported in the literature in individuals affected with COL12A1-related conditions. Variants that disrupt the consensus splice site are a relatively common cause of aberrant splicing (PMID: 17576681, 9536098). Algorithms developed to predict the effect of sequence changes on RNA splicing suggest that this variant is not likely to affect RNA splicing. In summary, the available evidence is currently insufficient to determine the role of this variant in disease. Therefore, it has been classified as a Variant of Uncertain Significance.

Literature cited by the submitters: PubMed 17576681; PubMed 9536098.